The following is an entry in ClinVar:

NM_000264.5(PTCH1):c.4134T>C (p.Thr1378=)

Gene: PTCH1 (patched 1; minus strand). Cytogenetic location: 9q22.32.
Variant type: single nucleotide variant.
Coding change: c.4134T>C on transcript NM_000264.5 (MANE Select); coding-DNA position 4134, T replaced by C.
Protein change: p.Thr1378=; no amino-acid change (threonine 1378 retained).
Molecular consequence: synonymous variant. On other transcripts: non-coding transcript variant (1).
Genome position (GRCh38, 1-based): chr9:95,447,122, A>G on the plus strand (T>C on the coding strand, the complement: PTCH1 is on the minus strand). VCF-style: chr9-95447122-A-G. GRCh37 (hg19) VCF-style: chr9-98209404-A-G.
Other names: c.3936T>C, p.Thr1312= (NM_001083602.3); c.4131T>C, p.Thr1377= (NM_001083603.3); c.3681T>C, p.Thr1227= (NM_001083604.3, NM_001083605.3, NM_001083606.3 and 1 more transcripts); c.3978T>C, p.Thr1326= (NM_001354918.2).
Identifiers: ClinVar variation 486171 (VCV000486171.28), dbSNP rs775499386, ClinGen allele CA5137946.

ClinVar aggregate classification (germline): Conflicting classifications of pathogenicity. Review status: criteria provided, conflicting classifications (1 of 4 stars). 8 submissions from 7 submitters: Uncertain significance (1); Likely benign (7). Last evaluated 2026-08-31.

Conditions:
Holoprosencephaly 7 (HPE7). Identifiers: Orphanet 2162, MedGen C1835820, MONDO:0012562, OMIM 610828.
Hereditary cancer-predisposing syndrome. Also called: Hereditary neoplastic syndrome; Neoplastic Syndromes, Hereditary; Hereditary Cancer Syndrome; Tumor predisposition. Identifiers: Orphanet 140162, MedGen C0027672, MeSH D009386, MONDO:0015356.
Gorlin syndrome. Also called: Nevoid Basal Cell Carcinoma Syndrome; Basal cell nevus syndrome. Identifiers: Orphanet 377, MedGen C0004779, MONDO:0007187.
PTCH1-related disorder. Also called: PTCH1-related disorders; PTCH1-related condition.

Allele frequency attached by ClinVar (database versions not stated): gnomAD exomes 0.00004 and 0.00008; TOPMed 0.00004; ExAC 0.00006; gnomAD 0.00006.
gnomAD v4.1: 130 of 1,613,256 alleles (0.0081%); highest among the groups gnomAD compares: Non-Finnish European, 0.011%; no homozygotes.

Submissions (8):

PreventionGenetics, part of Exact Sciences
Classification: Likely benign for PTCH1-related condition. Last evaluated: 2026-08-31. Review status: criteria provided, single submitter. Criteria: ACMG Guidelines, 2015. Collection method: clinical testing. Allele origin: germline.
Comment: This variant is classified as likely benign based on ACMG/AMP sequence variant interpretation guidelines (Richards et al. 2015 PMID: 25741868, with internal and published modifications).

Labcorp Genetics (formerly Invitae), Labcorp
Classification: Likely benign for Gorlin syndrome. Last evaluated: 2026-01-19. Review status: criteria provided, single submitter. Criteria: Invitae Variant Classification Sherloc (09022015). Collection method: clinical testing. Allele origin: germline.

CeGaT Center for Human Genetics Tuebingen
Classification: Likely benign. Last evaluated: 2025-11-01. Review status: criteria provided, single submitter. Criteria: CeGaT Center For Human Genetics Tuebingen Variant Classification Criteria Version 2. Collection method: clinical testing. Allele origin: germline. Affected: yes. Observed: 1 variant allele.
Comment: PTCH1: BP4, BP7

Blueprint Genetics
Classification: Likely benign. Last evaluated: 2024-07-10. Review status: criteria provided, single submitter. Criteria: ACMG Guidelines, 2015. Collection method: clinical testing. Allele origin: germline.

Sema4
Classification: Likely benign for Hereditary cancer-predisposing syndrome. Last evaluated: 2021-08-31. Review status: criteria provided, single submitter. Criteria: Sema4 Curation Guidelines. Collection method: curation. Allele origin: germline.

Ambry Genetics
Classification: Likely benign for Hereditary cancer-predisposing syndrome. Last evaluated: 2017-05-26. Review status: criteria provided, single submitter. Criteria: Ambry Variant Classification Scheme 2023. Collection method: clinical testing. Allele origin: germline.

Illumina Laboratory Services, Illumina
Classification: Uncertain significance for Holoprosencephaly 7. Last evaluated: 2017-04-28. Review status: criteria provided, single submitter. Criteria: ICSL Variant Classification Criteria 13 December 2019. Collection method: clinical testing. Allele origin: germline.

Illumina Laboratory Services, Illumina
Classification: Likely benign for Basal cell nevus syndrome 1. Last evaluated: 2017-04-28. Review status: criteria provided, single submitter. Criteria: ICSL Variant Classification Criteria 13 December 2019. Collection method: clinical testing. Allele origin: germline.
Comment: This variant was observed as part of a predisposition screen in an ostensibly healthy population. A literature search was performed for the gene, cDNA change, and amino acid change (where applicable). No publications were found based on this search. Allele frequency data from public databases allowed determination this variant is unlikely to cause disease. Therefore, this variant is classified as likely benign.